The following is an entry in ClinVar:

ClinVar aggregate classification (germline): Conflicting classifications of pathogenicity. Review status: criteria provided, conflicting classifications (1 of 4 stars). 4 submissions from 4 submitters: Uncertain significance (3); Likely benign (1). Last evaluated 2025-03-12.

Conditions:
Deafness-lymphedema-leukemia syndrome. Also called: Lymphedema, primary, with myelodysplasia; Emberger syndrome. Identifiers: Orphanet 3226, MedGen C3279664, MONDO:0013540, OMIM 614038.
Monocytopenia with susceptibility to infections. Also called: MONOCYTOPENIA WITH SUSCEPTIBILITY TO MYCOBACTERIAL, FUNGAL, AND PAPILLOMAVIRUS INFECTIONS AND MYELODYSPLASIA; COMBINED IMMUNODEFICIENCY WITH SUSCEPTIBILITY TO MYCOBACTERIAL, VIRAL, AND FUNGAL INFECTIONS; MONOCYTOPENIA AND MYCOBACTERIAL INFECTION SYNDROME; Dendritic cell, monocyte, B lymphocyte, and natural killer lymphocyte deficiency; IMMUNODEFICIENCY 21; GATA2 DEFICIENCY. Identifiers: Orphanet 228423, MedGen C3280030, MONDO:0013607, OMIM 614172.
Acute myeloid leukemia (AML). Also called: Leukemia, acute myeloid, somatic; Leukemia, acute myelogenous, somatic; Acute myeloid leukemia, adult; AML adult; Acute non-lymphocytic leukemia; Acute granulocytic leukemia. Identifiers: Orphanet 519, MedGen C0023467, MeSH D015470, MONDO:0018874, OMIM 601626, HP:0004808. Disease mechanism: Constitutively activated FLT3.
Inborn genetic diseases. Identifiers: MedGen C0950123, MeSH D030342.

Allele frequency attached by ClinVar (database versions not stated): gnomAD 0.00001; ExAC 0.00002; gnomAD exomes 0.00002; TOPMed 0.00002.
gnomAD v4.1: 18 of 1,598,654 alleles (0.0011%); highest among the groups gnomAD compares: Non-Finnish European, 0.0015%; no homozygotes.

Submissions (4):

Labcorp Genetics (formerly Invitae), Labcorp
Classification: Uncertain significance for Monocytopenia with susceptibility to infections; Deafness-lymphedema-leukemia syndrome. Last evaluated: 2025-03-12. Review status: criteria provided, single submitter. Criteria: Invitae Variant Classification Sherloc (09022015). Collection method: clinical testing. Allele origin: germline.
Comment: This sequence change replaces glycine, which is neutral and non-polar, with serine, which is neutral and polar, at codon 468 of the GATA2 protein (p.Gly468Ser). The frequency data for this variant in the population databases is considered unreliable, as metrics indicate poor data quality at this position in the gnomAD database. This variant has not been reported in the literature in individuals affected with GATA2-related conditions. ClinVar contains an entry for this variant (Variation ID: 574264). Invitae Evidence Modeling of protein sequence and biophysical properties (such as structural, functional, and spatial information, amino acid conservation, physicochemical variation, residue mobility, and thermodynamic stability) has been performed for this missense variant. However, the output from this modeling did not meet the statistical confidence thresholds required to predict the impact of this variant on GATA2 protein function. In summary, the available evidence is currently insufficient to determine the role of this variant in disease. Therefore, it has been classified as a Variant of Uncertain Significance.

Ambry Genetics
Classification: Likely benign for Inborn genetic diseases. Last evaluated: 2024-06-26. Review status: criteria provided, single submitter. Criteria: Ambry Variant Classification Scheme 2023. Collection method: clinical testing. Allele origin: germline.

Baylor Genetics
Classification: Uncertain significance for Acute myeloid leukemia. Last evaluated: 2023-09-21. Review status: criteria provided, single submitter. Criteria: ACMG Guidelines, 2015. Collection method: clinical testing. Allele origin: unknown.

CeGaT Center for Human Genetics Tuebingen
Classification: Uncertain significance. Last evaluated: 2021-09-01. Review status: criteria provided, single submitter. Criteria: CeGaT Center For Human Genetics Tuebingen Variant Classification Criteria Version 2. Collection method: clinical testing. Allele origin: germline. Affected: yes. Observed: 1 variant allele.

NM_032638.5(GATA2):c.1402G>A (p.Gly468Ser)

Gene: GATA2 (GATA binding protein 2; minus strand). Cytogenetic location: 3q21.3.
Variant type: single nucleotide variant.
Coding change: c.1402G>A on transcript NM_032638.5 (MANE Select); coding-DNA position 1402, G replaced by A.
Protein change: p.Gly468Ser; replaces glycine 468 with serine.
Molecular consequence: missense variant.
Genome position (GRCh38, 1-based): chr3:128,481,060, C>T on the plus strand (G>A on the coding strand, the complement: GATA2 is on the minus strand). VCF-style: chr3-128481060-C-T. GRCh37 (hg19) VCF-style: chr3-128199903-C-T.
Other names: c.1402G>A, p.Gly468Ser (NM_001145661.2); c.1360G>A, p.Gly454Ser (NM_001145662.1); short protein forms G468S, G454S.
Identifiers: ClinVar variation 574264 (VCV000574264.46), dbSNP rs777726701, ClinGen allele CA2599777.
Genomic context (GRCh38, chr3:128,481,060, plus strand): 5'-CTCGACGTCCATCTGTTCCCTAGCCCATGGCGGTCACCATGCTGGACGGGTGGGGGTGGC[C>T]GAAGGAGAGGCTGGAGGAGGGGTGGATGGGCGTCGGAGTGGGCAGGATGTGTCCGGAGTG-3'
Protein context (NP_116027.2, residues 458-478): PIHPSSSLSF[Gly468Ser]HPHPSSMVTA